The following is an entry in ClinVar:

NM_016169.4(SUFU):c.506A>G (p.Asn169Ser)

Gene: SUFU (SUFU negative regulator of hedgehog signaling; plus strand). Cytogenetic location: 10q24.32.
Variant type: single nucleotide variant.
Coding change: c.506A>G on transcript NM_016169.4 (MANE Select); coding-DNA position 506, A replaced by G.
Protein change: p.Asn169Ser; replaces asparagine 169 with serine.
Molecular consequence: missense variant.
Genome position (GRCh38, 1-based): chr10:102,592,633, A>G. VCF-style: chr10-102592633-A-G. GRCh37 (hg19) VCF-style: chr10-104352390-A-G.
Other names: c.506A>G, p.Asn169Ser (NM_001178133.2); short protein forms N169S.
Identifiers: ClinVar variation 241087 (VCV000241087.19), dbSNP rs142672533, ClinGen allele CA5667701.
Genomic context (GRCh38, chr10:102,592,633, plus strand): 5'-CTCCCACAGAGAACACCTTCTGCAGTGGGGACCATGTGTCCTGGCACAGCCCTTTGGATA[A>G]CAGTGAGTCAAGAATTCAGCACATGCTGCTGACAGAGGACCCACAGATGCAGCCCGTGCA-3'
Protein context (NP_057253.2, residues 159-179): DHVSWHSPLD[Asn169Ser]SESRIQHMLL

ClinVar aggregate classification (germline): Conflicting classifications of pathogenicity. Review status: criteria provided, conflicting classifications (1 of 4 stars). 5 submissions from 5 submitters: Uncertain significance (4); Benign (1). Last evaluated 2025-12-24.

Conditions:
Gorlin syndrome. Also called: Nevoid Basal Cell Carcinoma Syndrome; Basal cell nevus syndrome. Identifiers: Orphanet 377, MedGen C0004779, MONDO:0007187.
Medulloblastoma (MDB). Also called: MEDULLOBLASTOMA PREDISPOSITION SYNDROME; Medulloblastoma, somatic. Identifiers: Orphanet 616, MedGen C0025149, MeSH D008527, MONDO:0007959, OMIM 155255, HP:0002885.
Hereditary cancer-predisposing syndrome. Also called: Hereditary Cancer Syndrome; Tumor predisposition; Hereditary neoplastic syndrome; Neoplastic Syndromes, Hereditary. Identifiers: Orphanet 140162, MedGen C0027672, MeSH D009386, MONDO:0015356.
Familial meningioma. Also called: Meningioma, familial, susceptibility to. Identifiers: Orphanet 263662, MedGen C3551915, MONDO:0011789, OMIM 607174.

Allele frequency attached by ClinVar (database versions not stated): ExAC 0.00002; TOPMed 0.00002; gnomAD 0.00003; gnomAD exomes 0.00004 and 0.00008; ESP Exome Variant Server 0.00008.
gnomAD v4.1: 121 of 1,614,046 alleles (0.0075%); highest among the groups gnomAD compares: Non-Finnish European, 0.01%; no homozygotes.

Submissions (5):

Labcorp Genetics (formerly Invitae), Labcorp
Classification: Uncertain significance for Gorlin syndrome; Medulloblastoma. Last evaluated: 2025-12-24. Review status: criteria provided, single submitter. Criteria: Invitae Variant Classification Sherloc (09022015). Collection method: clinical testing. Allele origin: germline.
Comment: This sequence change replaces asparagine, which is neutral and polar, with serine, which is neutral and polar, at codon 169 of the SUFU protein (p.Asn169Ser). This variant is present in population databases (rs142672533, gnomAD 0.008%). This missense change has been observed in individual(s) with renal cell carcinoma (PMID: 32830346). ClinVar contains an entry for this variant (Variation ID: 241087). Invitae Evidence Modeling of protein sequence and biophysical properties (such as structural, functional, and spatial information, amino acid conservation, physicochemical variation, residue mobility, and thermodynamic stability) indicates that this missense variant is not expected to disrupt SUFU protein function with a negative predictive value of 80%. In summary, the available evidence is currently insufficient to determine the role of this variant in disease. Therefore, it has been classified as a Variant of Uncertain Significance.

GeneDx
Classification: Uncertain significance. Last evaluated: 2025-07-11. Review status: criteria provided, single submitter. Criteria: GeneDx Variant Classification Process June 2021. Collection method: clinical testing. Allele origin: germline.
Comment: In silico analysis suggests that this missense variant does not alter protein structure/function; Has not been previously published as pathogenic or benign to our knowledge; This variant is associated with the following publications: (PMID: 24311597)

Quest Diagnostics Nichols Institute San Juan Capistrano
Classification: Uncertain significance. Last evaluated: 2024-11-01. Review status: criteria provided, single submitter. Criteria: Quest Diagnostics criteria. Collection method: clinical testing. Allele origin: unknown.
Comment: The SUFU c.506A>G (p.Asn169Ser) variant has not been reported in individuals with SUFU-related conditions in the published literature. The frequency of this variant in the general population, 0.000077 (10/129136 chromosomes in European (Non-Finnish) subpopulation (Genome Aggregation Database)), is higher than would generally be expected for pathogenic variants in this gene. Analysis of this variant using bioinformatics tools for the prediction of the effect of amino acid changes on protein structure and function yielded conflicting predictions that this variant is deleterious or benign. Based on the available information, we are unable to determine the clinical significance of this variant.

Ambry Genetics
Classification: Benign for Hereditary cancer-predisposing syndrome. Last evaluated: 2024-05-22. Review status: criteria provided, single submitter. Criteria: Ambry Variant Classification Scheme 2023. Collection method: clinical testing. Allele origin: germline.

Baylor Genetics
Classification: Uncertain significance for Familial meningioma. Last evaluated: 2023-09-28. Review status: criteria provided, single submitter. Criteria: ACMG Guidelines, 2015. Collection method: clinical testing. Allele origin: unknown.

Literature cited by the submitters: PubMed 32830346 (cited by Labcorp Genetics (formerly Invitae), Labcorp and Quest Diagnostics Nichols Institute San Juan Capistrano).